The following is an entry in ClinVar:

NM_001164508.2(NEB):c.20263-18G>A

Gene: NEB (nebulin; minus strand). Cytogenetic location: 2q23.3.
Variant type: single nucleotide variant.
Coding change: c.20263-18G>A on transcript NM_001164508.2 (MANE Select); 18 bases into the intron before coding-DNA position 20263, G replaced by A.
Molecular consequence: intron variant.
Genome position (GRCh38, 1-based): chr2:151,547,551, C>T on the plus strand (G>A on the coding strand, the complement: NEB is on the minus strand). VCF-style: chr2-151547551-C-T. GRCh37 (hg19) VCF-style: chr2-152404065-C-T.
Other names: c.15160-18G>A (NM_004543.5); c.20263-18G>A (NM_001164507.2, NM_001271208.2).
Identifiers: ClinVar variation 257784 (VCV000257784.8), dbSNP rs377143618, ClinGen allele CA1907359.

ClinVar aggregate classification (germline): Likely benign. Review status: criteria provided, multiple submitters, no conflicts (2 of 4 stars). 3 submissions from 3 submitters: Likely benign (3). Last evaluated 2025-12-28.

Conditions:
Nemaline myopathy 2 (NEM2). Also called: Nemaline myopathy 2, autosomal recessive. Identifiers: MedGen C1850569, MONDO:0009725, OMIM 256030.

Allele frequency attached by ClinVar (database versions not stated): gnomAD exomes 0.00011; ExAC 0.00019; gnomAD 0.00043 and 0.00047; ESP Exome Variant Server 0.00050; TOPMed 0.00050.
gnomAD v4.1: 115 of 1,595,904 alleles (0.0072%); highest among the groups gnomAD compares: African/African-American, 0.15%; no homozygotes.

Submissions (3):

Labcorp Genetics (formerly Invitae), Labcorp
Classification: Likely benign for Nemaline myopathy 2. Last evaluated: 2025-12-28. Review status: criteria provided, single submitter. Criteria: Invitae Variant Classification Sherloc (09022015). Collection method: clinical testing. Allele origin: germline.

GeneDx
Classification: Likely benign. Last evaluated: 2018-03-13. Review status: criteria provided, single submitter. Criteria: GeneDx Variant Classification (06012015). Collection method: clinical testing. Allele origin: germline. Affected: yes.
Comment: This variant is considered likely benign or benign based on one or more of the following criteria: it is a conservative change, it occurs at a poorly conserved position in the protein, it is predicted to be benign by multiple in silico algorithms, and/or has population frequency not consistent with disease.

PreventionGenetics, part of Exact Sciences
Classification: Likely benign. Review status: criteria provided, single submitter. Criteria: ACMG Guidelines, 2015. Collection method: clinical testing. Allele origin: germline.